The following is an entry in ClinVar:

NM_022455.5(NSD1):c.5198G>T (p.Cys1733Phe)

Gene: NSD1 (nuclear receptor binding SET domain protein 1; plus strand). Cytogenetic location: 5q35.3.
Variant type: single nucleotide variant.
Coding change: c.5198G>T on transcript NM_022455.5 (MANE Select); coding-DNA position 5198, G replaced by T.
Protein change: p.Cys1733Phe; replaces cysteine 1733 with phenylalanine.
Molecular consequence: missense variant.
Genome position (GRCh38, 1-based): chr5:177,267,613, G>T. VCF-style: chr5-177267613-G-T. GRCh37 (hg19) VCF-style: chr5-176694614-G-T.
Other names: c.4325G>T, p.Cys1442Phe (NM_001365684.2, NM_001409308.1, NM_001409309.1 and 1 more transcripts); c.5198G>T, p.Cys1733Phe (NM_001409301.1, NM_001409302.1, NM_001409303.1); c.4778G>T, p.Cys1593Phe (NM_001409304.1); c.4445G>T, p.Cys1482Phe (NM_001409305.1); c.4436G>T, p.Cys1479Phe (NM_001409306.1, NM_001409307.1); short protein forms C1733F, C1464F, C1442F, C1479F, C1482F, C1593F.
Identifiers: ClinVar variation 861442 (VCV000861442.11), dbSNP rs587784140, ClinGen allele CA362305692.

ClinVar aggregate classification (germline): Pathogenic/Likely pathogenic. Review status: criteria provided, multiple submitters, no conflicts (2 of 4 stars). 2 submissions from 2 submitters: Pathogenic (1); Likely pathogenic (1). Last evaluated 2022-03-21.

Conditions:
Sotos syndrome (SOTOS). Also called: Distinctive facial appearance, overgrowth in childhood, and learning disabilities or delayed development; CEREBRAL GIGANTISM; CHROMOSOME 5q35 DELETION SYNDROME; Sotos' syndrome; SOTOS SYNDROME 1. Identifiers: Orphanet 821, MedGen C0175695, MONDO:0019349, OMIM 117550.

Submissions (2):

Laboratory for Molecular Medicine, Mass General Brigham Personalized Medicine
Classification: Pathogenic for Sotos syndrome. Last evaluated: 2022-03-21. Review status: criteria provided, single submitter. Criteria: ACMG Guidelines, 2015. Collection method: clinical testing. Allele origin: germline. Inheritance: Autosomal dominant inheritance.
Comment: The p.Cys1733Phe variant in NSD1 has not been reported in the literature in individuals with Sotos syndrome and was absent from large population studies. However, it has been reported as Likely Pathogenic in ClinVar based on de novo occurrence in at least one individual with clinical features of Sotos syndrome (Variation ID 861442). Additionally, this variant was confirmed de novo through trio WGS in a child with a clinical diagnosis of Sotos syndrome (Broad Institute Rare Genomes Project). The variant occurs in a domain of the protein that has been shown to be critical for transcriptional regulation and specifically at a highly conserved cysteine residue within this functional unit (Tatton-Brown 2005 PMID: 15942875, Pasillas 2011 PMID: 21972110). Other missense variants at this position (p.Cys1733Ser and p.Cys1733Arg) have been reported in two unrelated individuals with features of Sotos syndrome (Tatton-Brown 2005 PMID: 15942875), suggesting that changes to this position are not tolerated. Computational prediction tools support that the p.Cys1733Phe variant is likely to impact the protein. In summary, the p.Cys1733Phe variant meets criteria to be classified as pathogenic for autosomal dominant Sotos syndrome. ACMG/AMP Criteria applied: PS2_Very Strong, PM1, PM2_Supporting, PP3.

Labcorp Genetics (formerly Invitae), Labcorp
Classification: Likely pathogenic. Last evaluated: 2019-12-30. Review status: criteria provided, single submitter. Criteria: Invitae Variant Classification Sherloc (09022015). Collection method: clinical testing. Allele origin: germline.
Comment: This sequence change replaces cysteine with phenylalanine at codon 1733 of the NSD1 protein (p.Cys1733Phe). The cysteine residue is moderately conserved and there is a large physicochemical difference between cysteine and phenylalanine. This variant is not present in population databases (ExAC no frequency). This variant has been observed in individual(s) with clinical features of Sotos syndrome (Invitae). In at least one individual the variant was observed to be de novo. Algorithms developed to predict the effect of missense changes on protein structure and function are either unavailable or do not agree on the potential impact of this missense change (SIFT: "Deleterious"; PolyPhen-2: "Probably Damaging"; Align-GVGD: "Class C0"). In summary, the currently available evidence indicates that the variant is pathogenic, but additional data are needed to prove that conclusively. Therefore, this variant has been classified as Likely Pathogenic.

Literature cited by the submitters: PubMed 21972110 (cited by Laboratory for Molecular Medicine, Mass General Brigham Personalized Medicine); PubMed 15942875 (cited by Laboratory for Molecular Medicine, Mass General Brigham Personalized Medicine).